The following is an entry in ClinVar:

NR_125730.1(RNU6-2):n.73A>G

Gene: RNU6-2 (RNA, U6 small nuclear 2; plus strand). Cytogenetic location: 19p13.3.
Variant type: single nucleotide variant.
Molecular consequence: non-coding transcript variant (on NR_125730.1).
Genome position: GRCh38 VCF-style: chr19-1021594-A-G. GRCh37 (hg19) VCF-style: chr19-1021593-A-G.
Identifiers: ClinVar variation 3770171 (VCV003770171.1).

ClinVar aggregate classification (germline): Uncertain significance (1 of 4 stars; one submission).

gnomAD v4.1: 1 of 152,310 alleles (0.00066%); highest among the groups gnomAD compares: South Asian, 0.021%; no homozygotes.

Submission:

Institute for Human Genetics, University Hospital Essen
Classification: Uncertain significance. Last evaluated: 2005-03-05. Review status: criteria provided, single submitter. Criteria: ACMG Guidelines, 2015. Collection method: clinical testing. Allele origin: de novo. Affected: yes.
Comment: PM2_supp, PS2